The following is an entry in ClinVar:

Conditions:
Breast-ovarian cancer, familial, susceptibility to, 1 (BROVCA1). Also called: BRCA1 Hereditary Breast and Ovarian Cancer; OVARIAN CANCER, SUSCEPTIBILITY TO. Identifiers: Orphanet 145, MedGen C2676676, MONDO:0011450, OMIM 604370. Disease mechanism: loss of function.

Submission:

Brotman Baty Institute, University of Washington
No classification provided (evidence only). Condition: Breast-ovarian cancer, familial 1. Review status: no classification provided. Collection method: in vitro. Allele origin: not applicable. Functional consequence: functionally_normal.
ClinVar note: "not provided" was previously submitted as the classification for the variant. However, the classification appeared to be based only on an observation of functional data so it was converted to no classification on 2025-07-30.

NM_007294.4(BRCA1):c.4977A>T (p.Pro1659=)

Gene: BRCA1 (BRCA1 DNA repair associated; minus strand). Cytogenetic location: 17q21.31.
Variant type: single nucleotide variant.
Coding change: c.4977A>T on transcript NM_007294.4 (MANE Select); coding-DNA position 4977, A replaced by T.
Protein change: p.Pro1659=; no amino-acid change (proline 1659 retained).
Molecular consequence: synonymous variant. On other transcripts: intron variant (1).
Genome position (GRCh38, 1-based): chr17:43,070,937, T>A on the plus strand (A>T on the coding strand, the complement: BRCA1 is on the minus strand). VCF-style: chr17-43070937-T-A. GRCh37 (hg19) VCF-style: chr17-41222954-T-A.
Other names: c.4830A>T, p.Pro1610= (NM_001407850.1, NM_001407851.1, NM_001407852.1 and 12 more transcripts); c.4977A>T, p.Pro1659= (NM_001407854.1, NM_001407593.1, NM_001407594.1 and 8 more transcripts); c.4974A>T, p.Pro1658= (NM_001407858.1, NM_001407859.1, NM_001407860.1 and 17 more transcripts); c.4971A>T, p.Pro1657= (NM_001407861.1, NM_001407627.1, NM_001407628.1 and 14 more transcripts); c.4776A>T, p.Pro1592= (NM_001407862.1); c.4851A>T, p.Pro1617= (NM_001407863.1, NM_001407939.1, NM_001407940.1 and 11 more transcripts); c.4770A>T, p.Pro1590= (NM_001407874.1, NM_001407875.1); c.4767A>T, p.Pro1589= (NM_001407879.1, NM_001407881.1, NM_001407882.1 and 5 more transcripts); and 71 more.
Identifiers: ClinVar variation 868466 (VCV000868466.3), dbSNP rs1131692087, ClinGen allele CA500231525.